The following is an entry in ClinVar:

ClinVar aggregate classification (germline): Uncertain significance. Review status: criteria provided, multiple submitters, no conflicts (2 of 4 stars). 4 submissions from 4 submitters: Uncertain significance (4). Last evaluated 2026-08-31.

Conditions:
Hereditary cancer-predisposing syndrome. Also called: Tumor predisposition; Hereditary neoplastic syndrome; Neoplastic Syndromes, Hereditary; Hereditary Cancer Syndrome. Identifiers: Orphanet 140162, MedGen C0027672, MeSH D009386, MONDO:0015356.
Neurofibromatosis, type 1 (NF1). Also called: NEUROFIBROMATOSIS, TYPE I, SOMATIC; Neurofibromatosis, type I; VON RECKLINGHAUSEN DISEASE; Peripheral type neurofibromatosis. Identifiers: Orphanet 636, MedGen C0027831, MONDO:0018975, OMIM 162200. Disease mechanism: loss of function.
Cardiovascular phenotype. Identifiers: MedGen CN230736.

Submissions (4):

Ambry Genetics
Classification: Uncertain significance for Cardiovascular phenotype; Hereditary cancer-predisposing syndrome. Last evaluated: 2026-08-31. Review status: criteria provided, single submitter. Criteria: Ambry Variant Classification Scheme 2023. Collection method: clinical testing. Allele origin: germline.
Comment: The p.G528R variant (also known as c.1582G>A), located in coding exon 14 of the NF1 gene, results from a G to A substitution at nucleotide position 1582. The glycine at codon 528 is replaced by arginine, an amino acid with dissimilar properties. This amino acid position is conserved. In addition, this alteration is predicted to be deleterious by in silico analysis. Based on the available evidence, the clinical significance of this variant remains unclear.

GeneDx
Classification: Uncertain significance. Last evaluated: 2024-09-20. Review status: criteria provided, single submitter. Criteria: GeneDx Variant Classification Process June 2021. Collection method: clinical testing. Allele origin: germline.
Comment: Not observed at significant frequency in large population cohorts (gnomAD); In silico analysis supports that this missense variant has a deleterious effect on protein structure/function; Has not been previously published as pathogenic or benign to our knowledge

Labcorp Genetics (formerly Invitae), Labcorp
Classification: Uncertain significance for Neurofibromatosis, type 1. Last evaluated: 2022-12-12. Review status: criteria provided, single submitter. Criteria: Invitae Variant Classification Sherloc (09022015). Collection method: clinical testing. Allele origin: germline.
Comment: ClinVar contains an entry for this variant (Variation ID: 1692320). In summary, the available evidence is currently insufficient to determine the role of this variant in disease. Therefore, it has been classified as a Variant of Uncertain Significance. Advanced modeling of protein sequence and biophysical properties (such as structural, functional, and spatial information, amino acid conservation, physicochemical variation, residue mobility, and thermodynamic stability) performed at Invitae indicates that this missense variant is expected to disrupt NF1 protein function. This variant has not been reported in the literature in individuals affected with NF1-related conditions. This variant is not present in population databases (gnomAD no frequency). This sequence change replaces glycine, which is neutral and non-polar, with arginine, which is basic and polar, at codon 528 of the NF1 protein (p.Gly528Arg).

Sema4
Classification: Uncertain significance for Hereditary cancer-predisposing syndrome. Last evaluated: 2022-01-06. Review status: criteria provided, single submitter. Criteria: Sema4 Curation Guidelines. Collection method: curation. Allele origin: germline.
Comment: To the best of our knowledge, the NF1 c.1582G>A (p.G528R) variant has not been reported in individuals with NF1-related disease. This variant is not reported in the population database Genome Aggregation Database (PMID: 32461654). This variant has not been reported in ClinVar. Functional studies have not been performed, and in silico predictions of the variant's effect on protein function are inconclusive. The evidence is insufficient to meet ACMG/AMP criteria for classifying the variant as benign or pathogenic. Thus, the clinical significance of this variant is currently uncertain.

NM_001042492.3(NF1):c.1582G>A (p.Gly528Arg)

Gene: NF1 (neurofibromin 1; plus strand). Cytogenetic location: 17q11.2.
Variant type: single nucleotide variant.
Coding change: c.1582G>A on transcript NM_001042492.3 (MANE Select); coding-DNA position 1582, G replaced by A.
Protein change: p.Gly528Arg; replaces glycine 528 with arginine.
Molecular consequence: missense variant.
Genome position (GRCh38, 1-based): chr17:31,219,059, G>A. VCF-style: chr17-31219059-G-A. GRCh37 (hg19) VCF-style: chr17-29546077-G-A.
Other names: c.1582G>A, p.Gly528Arg (NM_000267.4, NM_001128147.3); short protein forms G528R.
Identifiers: ClinVar variation 1692320 (VCV001692320.9), dbSNP rs2143986428, ClinGen allele CA399001932.